The following is an entry in ClinVar:

NM_032495.6(HOPX):c.215G>A (p.Arg72His)

Gene: HOPX (HOP homeobox; minus strand). Cytogenetic location: 4q12.
Variant type: single nucleotide variant.
Coding change: c.215G>A on transcript NM_032495.6 (MANE Select); coding-DNA position 215, G replaced by A.
Protein change: p.Arg72His; replaces arginine 72 with histidine.
Molecular consequence: missense variant. On other transcripts: 3 prime UTR variant (1).
Genome position (GRCh38, 1-based): chr4:56,648,781, C>T on the plus strand (G>A on the coding strand, the complement: HOPX is on the minus strand). VCF-style: chr4-56648781-C-T. GRCh37 (hg19) VCF-style: chr4-57514947-C-T.
Other names: c.161G>A, p.Arg54His (NM_001145459.2, NM_139211.5, NM_139212.4); c.*6G>A (NM_001145460.2); short protein forms R72H, R54H.
Identifiers: ClinVar variation 496486 (VCV000496486.1), dbSNP rs150574089, ClinGen allele CA2931813.

ClinVar aggregate classification (germline): Likely benign (1 of 4 stars; one submission).

Allele frequency attached by ClinVar (database versions not stated): gnomAD 0.00005; TOPMed 0.00006; gnomAD exomes 0.00008; ESP Exome Variant Server 0.00015; 1000 Genomes Project 30x 0.00016.
gnomAD v4.1: 127 of 1,608,798 alleles (0.0079%); highest among the groups gnomAD compares: Middle Eastern, 0.017%; no homozygotes.

Submission:

Women's Health and Genetics/Laboratory Corporation of America, LabCorp
Classification: Likely benign. Last evaluated: 2017-08-24. Review status: criteria provided, single submitter. Criteria: LabCorp Variant Classification Summary - May 2015. Collection method: clinical testing. Allele origin: germline.
Comment: Variant summary: The HOPX c.215G>A (p.Arg72His) variant involves the alteration of a conserved nucleotide. 4/4 in silico tools predict a damaging outcome for this variant (SNPsandGO not captured due to low reliability index). This variant was found in 14/276614 control chromosomes at a frequency of 0.0000506, which is approximately 2 times the estimated maximal expected allele frequency of a pathogenic HOPX variant (0.000025), suggesting this variant is likely a benign polymorphism. The variant has been reported in a large intestine carcinoma sample as a somatic variant (COSMIC database), which is not associate with the test phenotype. Taken together, this variant is classified as likely benign.